The following is an entry in ClinVar:

NM_005732.4(RAD50):c.3271_3272del (p.Glu1091fs)

Gene: RAD50 (RAD50 double strand break repair protein; plus strand). Cytogenetic location: 5q31.1.
Variant type: Deletion.
Coding change: c.3271_3272del on transcript NM_005732.4 (MANE Select); coding-DNA positions 3271 to 3272, 2 bases deleted (GA; older notation c.3271_3272delGA).
Protein change: p.Glu1091fs; shifts the reading frame from glutamic acid 1091.
Molecular consequence: frameshift variant.
Genome position (GRCh38, 1-based): chr5:132,618,176-132,618,177, GA deleted; deleting any 2 consecutive bases within chr5:132,618,175-132,618,177 gives the same sequence; the c. name uses the placement nearest the transcript's 3' end. VCF-style (leftmost placement, unchanged base first): chr5-132618174-AAG-A. GRCh37 (hg19) VCF-style: chr5-131953866-AAG-A.
Other names: short protein forms E1091fs.
Identifiers: ClinVar variation 823370 (VCV000823370.4), dbSNP rs1581009466, ClinGen allele CA915942554.

ClinVar aggregate classification (germline): Pathogenic (1 of 4 stars; one submission).

Conditions:
Hereditary cancer-predisposing syndrome. Also called: Tumor predisposition; Hereditary Cancer Syndrome; Neoplastic Syndromes, Hereditary; Hereditary neoplastic syndrome. Identifiers: Orphanet 140162, MedGen C0027672, MeSH D009386, MONDO:0015356.

Submission:

Ambry Genetics
Classification: Pathogenic for Hereditary cancer-predisposing syndrome. Last evaluated: 2019-04-09. Review status: criteria provided, single submitter. Criteria: Ambry Variant Classification Scheme 2023. Collection method: clinical testing. Allele origin: germline.
Comment: The c.3271_3272delGA pathogenic mutation, located in coding exon 21 of the RAD50 gene, results from a deletion of two nucleotides at nucleotide positions 3271 to 3272, causing a translational frameshift with a predicted alternate stop codon (p.E1091Tfs*10). This alteration is expected to result in loss of function by premature protein truncation or nonsense-mediated mRNA decay. As such, this alteration is interpreted as a disease-causing mutation.